The following is an entry in ClinVar:

NM_025114.4(CEP290):c.6642A>G (p.Lys2214=)

Gene: CEP290 (centrosomal protein 290; minus strand). Cytogenetic location: 12q21.32.
Variant type: single nucleotide variant.
Coding change: c.6642A>G on transcript NM_025114.4 (MANE Select); coding-DNA position 6642, A replaced by G.
Protein change: p.Lys2214=; no amino-acid change (lysine 2214 retained).
Molecular consequence: synonymous variant.
Genome position (GRCh38, 1-based): chr12:88,059,901, T>C on the plus strand (A>G on the coding strand, the complement: CEP290 is on the minus strand). VCF-style: chr12-88059901-T-C. GRCh37 (hg19) VCF-style: chr12-88453678-T-C.
Identifiers: ClinVar variation 1133052 (VCV001133052.25), dbSNP rs1409872235, ClinGen allele CA481061952.
Genomic context (GRCh38, chr12:88,059,901, plus strand): 5'-CAAGAGGTATTAAGTAAAATAAAAATCAAAAGTTATAATCAGTCATAAAAGTCATACTTT[T>C]TTAAGTTCTTTACGAAGCCTTTCATTTTCAGCAATAATTTTTTCTGTGCCTTTGGTCTTG-3'
Protein context (NP_079390.3, residues 2204-2224): AENERLRKEL[Lys2214=]KETDAAEKLR

ClinVar aggregate classification (germline): Likely benign. Review status: criteria provided, multiple submitters, no conflicts (2 of 4 stars). 4 submissions from 4 submitters: Likely benign (3). 1 of the submissions does not count toward it. Last evaluated 2024-10-01.

Conditions:
Leber congenital amaurosis (LCA). Also called: Leber's amaurosis. Identifiers: Orphanet 65, MedGen C0339527, MeSH D057130, MONDO:0018998.
Joubert syndrome. Also called: JOUBERT-BOLTSHAUSER SYNDROME; Familial aplasia of the vermis. Identifiers: Orphanet 475, MedGen C5979921, MONDO:0018772.
Meckel-Gruber syndrome. Also called: Dysencephalia splachnocystica; DYSENCEPHALIA SPLANCHNOCYSTICA; GRUBER SYNDROME. Identifiers: Orphanet 564, MedGen C0265215, MONDO:0018921.
Nephronophthisis. Also called: Juvenile Nephronophthisis. Identifiers: Orphanet 655, MedGen C0687120, MONDO:0019005, HP:0000090.
Meckel syndrome, type 4 (MKS4). Also called: MECKEL-GRUBER SYNDROME, TYPE 4. Identifiers: Orphanet 564, MedGen C1970161, MONDO:0012626, OMIM 611134.
Bardet-Biedl syndrome 14 (BBS14). Identifiers: Orphanet 110, MedGen C2673874, MONDO:0014442, OMIM 615991.
Leber congenital amaurosis 10 (LCA10). Identifiers: Orphanet 65, MedGen C1857821, MONDO:0012723, OMIM 611755.
Senior-Loken syndrome 6 (SLSN6). Identifiers: Orphanet 3156, MedGen C1857779, MONDO:0012433, OMIM 610189.
Joubert syndrome 5 (JBTS5). Identifiers: Orphanet 2318, MedGen C1857780, MONDO:0012432, OMIM 610188.

Allele frequency attached by ClinVar (database versions not stated): TOPMed below 0.00001; gnomAD 0.00001; gnomAD exomes 0.00001.
gnomAD v4.1: 14 of 1,578,850 alleles (0.00089%); highest among the groups gnomAD compares: Non-Finnish European, 0.0012%; no homozygotes.

Submissions (4):

CeGaT Center for Human Genetics Tuebingen
Classification: Likely benign. Last evaluated: 2024-10-01. Review status: criteria provided, single submitter. Criteria: CeGaT Center For Human Genetics Tuebingen Variant Classification Criteria Version 2. Collection method: clinical testing. Allele origin: germline. Affected: yes. Observed: 1 variant allele.
Comment: CEP290: BP4, BP7

Labcorp Genetics (formerly Invitae), Labcorp
Classification: Likely benign for Joubert syndrome; Meckel-Gruber syndrome; Nephronophthisis. Last evaluated: 2024-02-01. Review status: criteria provided, single submitter. Criteria: Invitae Variant Classification Sherloc (09022015). Collection method: clinical testing. Allele origin: germline.

Fulgent Genetics
Classification: Likely benign for Joubert syndrome 5; Senior-Loken syndrome 6; Meckel syndrome, type 4; Leber congenital amaurosis 10; Bardet-Biedl syndrome 14. Last evaluated: 2022-03-05. Review status: criteria provided, single submitter. Criteria: ACMG Guidelines, 2015. Collection method: clinical testing. Allele origin: unknown.

Natera, Inc.
Classification: Likely benign for Leber congenital amaurosis. Last evaluated: 2021-08-16. Review status: no assertion criteria provided. Collection method: clinical testing. Allele origin: germline. Not counted in ClinVar's aggregate classification.